The following is an entry in ClinVar:

NM_021098.3(CACNA1H):c.3614G>A (p.Arg1205Gln)

Gene: CACNA1H (calcium voltage-gated channel subunit alpha1 H; plus strand). Cytogenetic location: 16p13.3.
Variant type: single nucleotide variant.
Coding change: c.3614G>A on transcript NM_021098.3 (MANE Select); coding-DNA position 3614, G replaced by A.
Protein change: p.Arg1205Gln; replaces arginine 1205 with glutamine.
Molecular consequence: missense variant.
Genome position (GRCh38, 1-based): chr16:1,209,282, G>A. VCF-style: chr16-1209282-G-A. GRCh37 (hg19) VCF-style: chr16-1259282-G-A.
Other names: c.3614G>A, p.Arg1205Gln (NM_001005407.2); short protein forms R1205Q.
Identifiers: ClinVar variation 460089 (VCV000460089.15), dbSNP rs58594334, ClinGen allele CA7800814.

ClinVar aggregate classification (germline): Likely benign. Review status: criteria provided, multiple submitters, no conflicts (2 of 4 stars). 3 submissions from 3 submitters: Likely benign (2). 1 of the submissions does not count toward it. Last evaluated 2026-01-19.

Conditions:
Hyperaldosteronism, familial, type IV (HALD4). Also called: FH IV; ALDOSTERONISM, PRIMARY, AND HYPERTENSION. Identifiers: Orphanet 642671, MedGen C4310756, MONDO:0014875, OMIM 617027.
Idiopathic generalized epilepsy. Also called: EIG; Generalised epilepsy. Identifiers: MedGen C0270850, MONDO:0005579, OMIM 600669.
CACNA1H-related disorder.
Epilepsy, childhood absence, susceptibility to, 6. Identifiers: Orphanet 64280, MedGen C2749872, MONDO:0012763, OMIM 611942.

Allele frequency attached by ClinVar (database versions not stated): ESP Exome Variant Server 0.00019; gnomAD 0.00072; TOPMed 0.00087; 1000 Genomes Project 30x 0.00156.
gnomAD v4.1: 293 of 1,564,102 alleles (0.019%); highest among the groups gnomAD compares: African/African-American, 0.27%; no homozygotes.

Submissions (3):

Labcorp Genetics (formerly Invitae), Labcorp
Classification: Likely benign for Idiopathic generalized epilepsy; Hyperaldosteronism, familial, type IV. Last evaluated: 2026-01-19. Review status: criteria provided, single submitter. Criteria: Invitae Variant Classification Sherloc (09022015). Collection method: clinical testing. Allele origin: germline.

Fulgent Genetics
Classification: Likely benign for Epilepsy, childhood absence, susceptibility to, 6; Hyperaldosteronism, familial, type IV. Last evaluated: 2021-09-29. Review status: criteria provided, single submitter. Criteria: ACMG Guidelines, 2015. Collection method: clinical testing. Allele origin: unknown.

PreventionGenetics, part of Exact Sciences
Classification: Likely benign for CACNA1H-related condition. Last evaluated: 2021-01-05. Review status: no assertion criteria provided. Collection method: clinical testing. Allele origin: germline. Not counted in ClinVar's aggregate classification.
Comment: This variant is classified as likely benign based on ACMG/AMP sequence variant interpretation guidelines (Richards et al. 2015 PMID: 25741868, with internal and published modifications).